The following is an entry in ClinVar:

ClinVar aggregate classification (germline): Uncertain significance (1 of 4 stars; one submission).

Conditions:
Severe combined immunodeficiency due to DNA-PKcs deficiency. Also called: Immunodeficiency 26 with or without neurologic abnormalities; IMMUNODEFICIENCY 26 WITH NEUROLOGIC ABNORMALITIES. Identifiers: Orphanet 317425, MedGen C4014833, MONDO:0014423, OMIM 615966.

Submission:

Labcorp Genetics (formerly Invitae), Labcorp
Classification: Uncertain significance for Severe combined immunodeficiency due to DNA-PKcs deficiency. Last evaluated: 2022-06-04. Review status: criteria provided, single submitter. Criteria: Invitae Variant Classification Sherloc (09022015). Collection method: clinical testing. Allele origin: germline.
Comment: This variant is not present in population databases (gnomAD no frequency). This sequence change falls in intron 84 of the PRKDC gene. It does not directly change the encoded amino acid sequence of the PRKDC protein. It affects a nucleotide within the consensus splice site. This variant has not been reported in the literature in individuals affected with PRKDC-related conditions. In summary, the available evidence is currently insufficient to determine the role of this variant in disease. Therefore, it has been classified as a Variant of Uncertain Significance. Variants that disrupt the consensus splice site are a relatively common cause of aberrant splicing (PMID: 17576681, 9536098). Algorithms developed to predict the effect of sequence changes on RNA splicing suggest that this variant may disrupt the consensus splice site. ClinVar contains an entry for this variant (Variation ID: 660564).

Literature cited by the submitters: PubMed 17576681; PubMed 9536098.

NM_006904.7(PRKDC):c.12042+3A>G

Gene: PRKDC (protein kinase, DNA-activated, catalytic subunit; minus strand). Cytogenetic location: 8q11.21.
Variant type: single nucleotide variant.
Coding change: c.12042+3A>G on transcript NM_006904.7 (MANE Select); 3 bases into the intron after coding-DNA position 12042, A replaced by G.
Molecular consequence: intron variant.
Genome position (GRCh38, 1-based): chr8:47,777,683, T>C on the plus strand (A>G on the coding strand, the complement: PRKDC is on the minus strand). VCF-style: chr8-47777683-T-C. GRCh37 (hg19) VCF-style: chr8-48690244-T-C.
Other names: c.11949+3A>G (NM_001081640.2).
Identifiers: ClinVar variation 660564 (VCV000660564.5), dbSNP rs1589688265, ClinGen allele CA645562244.
Genomic context (GRCh38, chr8:47,777,683, plus strand): 5'-ATACCAGCTTGATCACGGGGACACTGTCACAAAAGTGAAAAGTGCACATGAAACAAAACC[T>C]ACTTTCCAATCAAAGGAGGGCTCCTTGACAAACACATCCATGGTGTTGGTGAGCAGGCCA-3'